The following is an entry in ClinVar:

ClinVar aggregate classification (germline): Likely benign (1 of 4 stars; one submission).

Submission:

CeGaT Center for Human Genetics Tuebingen
Classification: Likely benign. Last evaluated: 2026-09-01. Review status: criteria provided, single submitter. Criteria: CeGaT Center For Human Genetics Tuebingen Variant Classification Criteria Version 2. Collection method: clinical testing. Allele origin: germline. Affected: yes. Observed: 4 variant alleles.
Comment: MARS2: PM2:Supporting, BP4, BP7

NM_138395.4(MARS2):c.1587A>C (p.Pro529=)

Gene: MARS2 (methionyl-tRNA synthetase 2, mitochondrial; plus strand). Cytogenetic location: 2q33.1.
Variant type: single nucleotide variant.
Coding change: c.1587A>C on transcript NM_138395.4 (MANE Select); coding-DNA position 1587, A replaced by C.
Protein change: p.Pro529=; no amino-acid change (proline 529 retained).
Molecular consequence: synonymous variant.
Genome position (GRCh38, 1-based): chr2:197,706,992, A>C. VCF-style: chr2-197706992-A-C. GRCh37 (hg19) VCF-style: chr2-198571716-A-C.
Identifiers: ClinVar variation 4681542 (VCV004681542.5).